The following is an entry in ClinVar:

NM_001353345.2(SETD1B):c.2682C>T (p.Asp894=)

Gene: SETD1B (SET domain containing 1B, histone lysine methyltransferase; plus strand). Cytogenetic location: 12q24.31.
Variant type: single nucleotide variant.
Coding change: c.2682C>T on transcript NM_001353345.2 (MANE Select); coding-DNA position 2682, C replaced by T.
Protein change: p.Asp894=; no amino-acid change (aspartic acid 894 retained).
Molecular consequence: synonymous variant.
Genome position (GRCh38, 1-based): chr12:121,814,897, C>T. VCF-style: chr12-121814897-C-T. GRCh37 (hg19) VCF-style: chr12-122252803-C-T.
Identifiers: ClinVar variation 4918964 (VCV004918964.2).

ClinVar aggregate classification (germline): Likely benign. Review status: criteria provided, multiple submitters, no conflicts (2 of 4 stars). 2 submissions from 2 submitters: Likely benign (2). Last evaluated 2026-08-01.

gnomAD v4.1: 360 of 1,549,130 alleles (0.023%); highest among the groups gnomAD compares: Middle Eastern, 0.35%; 3 homozygotes.

Submissions (2):

CeGaT Center for Human Genetics Tuebingen
Classification: Likely benign. Last evaluated: 2026-08-01. Review status: criteria provided, single submitter. Criteria: CeGaT Center For Human Genetics Tuebingen Variant Classification Criteria Version 2. Collection method: clinical testing. Allele origin: germline. Affected: yes. Observed: 1 variant allele.
Comment: SETD1B: BP4, BP7

Blueprint Genetics
Classification: Likely benign. Last evaluated: 2024-10-18. Review status: criteria provided, single submitter. Criteria: ACMG Guidelines, 2015. Collection method: clinical testing. Allele origin: germline.